The following is an entry in ClinVar:

ClinVar aggregate classification (germline): Uncertain significance. Review status: criteria provided, multiple submitters, no conflicts (2 of 4 stars). 2 submissions from 2 submitters: Uncertain significance (2). Last evaluated 2026-02-04.

Conditions:
Cardiovascular phenotype. Identifiers: MedGen CN230736.
Hereditary cancer-predisposing syndrome. Also called: Neoplastic Syndromes, Hereditary; Tumor predisposition; Hereditary Cancer Syndrome; Hereditary neoplastic syndrome. Identifiers: Orphanet 140162, MedGen C0027672, MeSH D009386, MONDO:0015356.

Submissions (2):

GeneDx
Classification: Uncertain significance. Last evaluated: 2026-02-04. Review status: criteria provided, single submitter. Criteria: GeneDx Variant Classification Process June 2021. Collection method: clinical testing. Allele origin: germline.
Comment: Not observed at significant frequency in large population cohorts (gnomAD); In silico analysis suggests that this missense variant does not alter protein structure/function; Has not been previously published as pathogenic or benign to our knowledge; This variant is associated with the following publications: (PMID: 2121369, 25486365, 22807134)

Ambry Genetics
Classification: Uncertain significance for Cardiovascular phenotype; Hereditary cancer-predisposing syndrome. Last evaluated: 2023-08-31. Review status: criteria provided, single submitter. Criteria: Ambry Variant Classification Scheme 2023. Collection method: clinical testing. Allele origin: germline.
Comment: The p.V1200L variant (also known as c.3598G>C), located in coding exon 27 of the NF1 gene, results from a G to C substitution at nucleotide position 3598. The valine at codon 1200 is replaced by leucine, an amino acid with highly similar properties. This amino acid position is conserved. In addition, the in silico prediction for this alteration is inconclusive. Since supporting evidence is limited at this time, the clinical significance of this alteration remains unclear.

NM_001042492.3(NF1):c.3598G>C (p.Val1200Leu)

Gene: NF1 (neurofibromin 1; plus strand). Cytogenetic location: 17q11.2.
Variant type: single nucleotide variant.
Coding change: c.3598G>C on transcript NM_001042492.3 (MANE Select); coding-DNA position 3598, G replaced by C.
Protein change: p.Val1200Leu; replaces valine 1200 with leucine.
Molecular consequence: missense variant.
Genome position (GRCh38, 1-based): chr17:31,233,103, G>C. VCF-style: chr17-31233103-G-C. GRCh37 (hg19) VCF-style: chr17-29560121-G-C.
Other names: c.3598G>C, p.Val1200Leu (NM_000267.4); short protein forms V1200L.
Identifiers: ClinVar variation 3237741 (VCV003237741.2), dbSNP rs1597720021.